The following is an entry in ClinVar:

ClinVar aggregate classification (germline): Uncertain significance. Review status: criteria provided, multiple submitters, no conflicts (2 of 4 stars). 2 submissions from 2 submitters: Uncertain significance (2). Last evaluated 2024-12-30.

Submissions (2):

Labcorp Genetics (formerly Invitae), Labcorp
Classification: Uncertain significance. Last evaluated: 2024-12-30. Review status: criteria provided, single submitter. Criteria: Invitae Variant Classification Sherloc (09022015). Collection method: clinical testing. Allele origin: germline.
Comment: This sequence change replaces isoleucine, which is neutral and non-polar, with asparagine, which is neutral and polar, at codon 673 of the OCA2 protein (p.Ile673Asn). This variant is not present in population databases (gnomAD no frequency). This variant has not been reported in the literature in individuals affected with OCA2-related conditions. ClinVar contains an entry for this variant (Variation ID: 2434482). Invitae Evidence Modeling of protein sequence and biophysical properties (such as structural, functional, and spatial information, amino acid conservation, physicochemical variation, residue mobility, and thermodynamic stability) has been performed for this missense variant. However, the output from this modeling did not meet the statistical confidence thresholds required to predict the impact of this variant on OCA2 protein function. In summary, the available evidence is currently insufficient to determine the role of this variant in disease. Therefore, it has been classified as a Variant of Uncertain Significance.

Revvity Omics, Revvity
Classification: Uncertain significance. Last evaluated: 2021-07-19. Review status: criteria provided, single submitter. Criteria: ACMG Guidelines, 2015. Collection method: clinical testing. Allele origin: germline.

NM_000275.3(OCA2):c.2018T>A (p.Ile673Asn)

Gene: OCA2 (OCA2 melanosomal transmembrane protein; minus strand). Cytogenetic location: 15q13.1.
Variant type: single nucleotide variant.
Coding change: c.2018T>A on transcript NM_000275.3 (MANE Select); coding-DNA position 2018, T replaced by A.
Protein change: p.Ile673Asn; replaces isoleucine 673 with asparagine.
Molecular consequence: missense variant.
Genome position (GRCh38, 1-based): chr15:27,926,188, A>T on the plus strand (T>A on the coding strand, the complement: OCA2 is on the minus strand). VCF-style: chr15-27926188-A-T. GRCh37 (hg19) VCF-style: chr15-28171334-A-T.
Other names: c.1946T>A, p.Ile649Asn (NM_001300984.2); short protein forms I649N, I673N.
Identifiers: ClinVar variation 2434482 (VCV002434482.5), dbSNP rs2506065369, ClinGen allele CA391361163.